The following is an entry in ClinVar:

ClinVar aggregate classification (germline): Benign (0 of 4 stars; one submission).

Conditions:
ASTN2-related disorder. Also called: ASTN2-related condition.

Allele frequency attached by ClinVar (database versions not stated): gnomAD 0.14669; ExAC 0.11085; 1000 Genomes Project 0.13718; 1000 Genomes Project 30x 0.13819; TOPMed 0.14248; ESP Exome Variant Server 0.15424.
gnomAD v4.1: 185,044 of 1,613,662 alleles (11%); highest among the groups gnomAD compares: African/African-American, 25%; 12,068 homozygotes.

Submission:

PreventionGenetics, part of Exact Sciences
Classification: Benign for ASTN2-related condition. Last evaluated: 2019-11-20. Review status: no assertion criteria provided. Collection method: clinical testing. Allele origin: germline.
Comment: This variant is classified as benign based on ACMG/AMP sequence variant interpretation guidelines (Richards et al. 2015 PMID: 25741868, with internal and published modifications).

NM_001365068.1(ASTN2):c.1641C>T (p.His547=)

Gene: ASTN2 (astrotactin 2; minus strand). Cytogenetic location: 9q33.1.
Variant type: single nucleotide variant.
Coding change: c.1641C>T on transcript NM_001365068.1 (MANE Select); coding-DNA position 1641, C replaced by T.
Protein change: p.His547=; no amino-acid change (histidine 547 retained).
Molecular consequence: synonymous variant.
Genome position (GRCh38, 1-based): chr9:116,976,736, G>A on the plus strand (C>T on the coding strand, the complement: ASTN2 is on the minus strand). VCF-style: chr9-116976736-G-A. GRCh37 (hg19) VCF-style: chr9-119739015-G-A.
Other names: c.1641C>T, p.His547= (NM_001365069.1); c.1488C>T, p.His496= (NM_014010.5).
Identifiers: ClinVar variation 3059625 (VCV003059625.2), dbSNP rs10983437, ClinGen allele CA5211621.